The following is an entry in ClinVar:

ClinVar aggregate classification (germline): Pathogenic (1 of 4 stars; one submission).

Allele frequency attached by ClinVar (database versions not stated): gnomAD 0.00001; gnomAD exomes 0.00001.
gnomAD v4.1: 11 of 1,604,718 alleles (0.00069%); highest among the groups gnomAD compares: Non-Finnish European, 0.00094%; no homozygotes.

Submission:

Labcorp Genetics (formerly Invitae), Labcorp
Classification: Pathogenic. Last evaluated: 2018-08-22. Review status: criteria provided, single submitter. Criteria: Invitae Variant Classification Sherloc (09022015). Collection method: clinical testing. Allele origin: germline.
Comment: Loss-of-function variants in PDHX are known to be pathogenic (PMID: 16904023, 21914562). This variant has not been reported in the literature in individuals with PDHX-related disease. This variant is not present in population databases (ExAC no frequency). This sequence change creates a premature translational stop signal (p.Gly71*) in the PDHX gene. It is expected to result in an absent or disrupted protein product. For these reasons, this variant has been classified as Pathogenic.

Literature cited by the submitters: PubMed 16904023; PubMed 21914562.

NM_003477.3(PDHX):c.211G>T (p.Gly71Ter)

Gene: PDHX (pyruvate dehydrogenase complex component X; plus strand). Cytogenetic location: 11p13.
Variant type: single nucleotide variant.
Coding change: c.211G>T on transcript NM_003477.3 (MANE Select); coding-DNA position 211, G replaced by T.
Protein change: p.Gly71Ter; replaces glycine 71 with a stop codon.
Molecular consequence: nonsense.
Genome position (GRCh38, 1-based): chr11:34,931,454, G>T. VCF-style: chr11-34931454-G-T. GRCh37 (hg19) VCF-style: chr11-34953001-G-T.
Other names: c.31G>T, p.Gly11Ter (NM_001135024.2); c.211G>T, p.Gly71Ter (NM_001166158.2); short protein forms G71*, G11*.
Identifiers: ClinVar variation 660921 (VCV000660921.6), dbSNP rs912318281, ClinGen allele CA220486153.